The following is an entry in ClinVar:

NM_001165963.4(SCN1A):c.4907G>C (p.Arg1636Pro)

Genes: SCN1A (sodium voltage-gated channel alpha subunit 1; minus strand), LOC102724058 (uncharacterized LOC102724058; plus strand). Cytogenetic location: 2q24.3.
Variant type: single nucleotide variant.
Coding change: c.4907G>C on transcript NM_001165963.4 (MANE Select); coding-DNA position 4907, G replaced by C.
Protein change: p.Arg1636Pro; replaces arginine 1636 with proline.
Molecular consequence: missense variant. On other transcripts: non-coding transcript variant (1).
Genome position (GRCh38, 1-based): chr2:165,992,368, C>G on the plus strand (G>C on the coding strand, the complement: SCN1A is on the minus strand). VCF-style: chr2-165992368-C-G. GRCh37 (hg19) VCF-style: chr2-166848878-C-G.
Other names: c.4823G>C, p.Arg1608Pro (NM_001165964.3, NM_001353957.2, NM_001353958.2); c.4907G>C, p.Arg1636Pro (NM_001202435.3, NM_001353948.2); c.4874G>C, p.Arg1625Pro (NM_001353949.2, NM_001353950.2, NM_001353951.2 and 2 more transcripts); c.4871G>C, p.Arg1624Pro (NM_001353954.2, NM_001353955.2); c.4820G>C, p.Arg1607Pro (NM_001353960.2); c.2465G>C, p.Arg822Pro (NM_001353961.2); short protein forms R1607P, R1608P, R1624P, R1625P, R1636P, R822P.
Identifiers: ClinVar variation 2506369 (VCV002506369.2), dbSNP rs121917995, ClinGen allele CA349070330.

ClinVar aggregate classification (germline): Likely pathogenic. Review status: criteria provided, multiple submitters, no conflicts (2 of 4 stars). 2 submissions from 2 submitters: Likely pathogenic (2). Last evaluated 2024-08-13.

Conditions:
SCN1A-related disorder. Also called: SCN1A-related disorders; SCN1A-related conditions; SCN1A-related condition.
Severe myoclonic epilepsy in infancy (DRVT). Also called: Severe Myoclonic Epilepsy in Infancy (SMEI); Dravet syndrome; Epileptic encephalopathy, early infantile, 6 (Dravet syndrome); SEVERE MYOCLONIC EPILEPSY OF INFANCY; DEVELOPMENTAL AND EPILEPTIC ENCEPHALOPATHY 6A. Identifiers: Orphanet 33069, MedGen C0751122, MONDO:0100135, OMIM 607208.

Submissions (2):

3billion
Classification: Likely pathogenic for SCN1A-related disorder. Last evaluated: 2024-08-13. Review status: criteria provided, single submitter. Criteria: ACMG Guidelines, 2015. Collection method: clinical testing. Allele origin: germline. Affected: yes.
Comment: The variant is not observed in the gnomAD v4.0.0 dataset. Predicted Consequence/Location: Missense variant In silico tool predictions suggest damaging effect of the variant on gene or gene product [REVEL: 0.97 (>=0.6, sensitivity 0.68 and specificity 0.92); 3Cnet: 0.99 (>=0.6, sensitivity 0.72 and precision 0.9)]. The same nucleotide change resulting in the same amino acid change has been previously reported to be associated with SCN1A related disorder (ClinVar ID: VCV002506369 /PMID: 27734276).The variant has been previously reported as assumed (i.e. paternity and maternity not confirmed) de novo in at least one similarly affected unrelated individual (PMID: 27734276). Different missense changes at the same codon (p.Arg1636Gln, p.Arg1636Gly, p.Arg1636Leu) have been reported as pathogenic/likely pathogenic with strong evidence (ClinVar ID: VCV000068557, VCV002031256, VCV002848849 /PMID: 17347258). Therefore, this variant is classified as Likely pathogenic according to the recommendation of ACMG/AMP guideline.

Division of Medical Genetics, Department of Pediatrics, All India Institute of Medical Sciences, New Delhi
Classification: Likely pathogenic for Severe myoclonic epilepsy in infancy. Last evaluated: 2023-06-15. Review status: criteria provided, single submitter. Criteria: ACMG Guidelines, 2015. Collection method: research. Allele origin: de novo. Affected: yes.

Literature cited by the submitters: PubMed 17347258 (cited by 3billion); PubMed 27734276 (cited by 3billion).